The following is an entry in ClinVar:

ClinVar aggregate classification (germline): Uncertain significance (1 of 4 stars; one submission).

Conditions:
Cardiovascular phenotype. Identifiers: MedGen CN230736.

gnomAD v4.1: 11 of 1,613,872 alleles (0.00068%); highest among the groups gnomAD compares: African/African-American, 0.0027%; no homozygotes.

Submission:

Ambry Genetics
Classification: Uncertain significance for Cardiovascular phenotype. Last evaluated: 2025-02-13. Review status: criteria provided, single submitter. Criteria: Ambry Variant Classification Scheme 2023. Collection method: clinical testing. Allele origin: germline.
Comment: The p.R412Q variant (also known as c.1235G>A), located in coding exon 9 of the ABCG8 gene, results from a G to A substitution at nucleotide position 1235. The arginine at codon 412 is replaced by glutamine, an amino acid with highly similar properties. This amino acid position is conserved. In addition, this alteration is predicted to be deleterious by in silico analysis. Based on the available evidence, the clinical significance of this variant remains unclear.

NM_022437.3(ABCG8):c.1235G>A (p.Arg412Gln)

Gene: ABCG8 (ATP binding cassette subfamily G member 8; plus strand). Cytogenetic location: 2p21.
Variant type: single nucleotide variant.
Coding change: c.1235G>A on transcript NM_022437.3 (MANE Select); coding-DNA position 1235, G replaced by A.
Protein change: p.Arg412Gln; replaces arginine 412 with glutamine.
Molecular consequence: missense variant.
Genome position (GRCh38, 1-based): chr2:43,873,810, G>A. VCF-style: chr2-43873810-G-A. GRCh37 (hg19) VCF-style: chr2-44100949-G-A.
Other names: c.1232G>A, p.Arg411Gln (NM_001357321.2); short protein forms R411Q, R412Q.
Identifiers: ClinVar variation 3890403 (VCV003890403.1).